The following is an entry in ClinVar:

NM_170707.4(LMNA):c.1069G>T (p.Asp357Tyr)

Gene: LMNA (lamin A/C; plus strand). Cytogenetic location: 1q22.
Variant type: single nucleotide variant.
Coding change: c.1069G>T on transcript NM_170707.4 (MANE Select); coding-DNA position 1069, G replaced by T.
Protein change: p.Asp357Tyr; replaces aspartic acid 357 with tyrosine.
Molecular consequence: missense variant.
Genome position (GRCh38, 1-based): chr1:156,136,033, G>T. VCF-style: chr1-156136033-G-T. GRCh37 (hg19) VCF-style: chr1-156105824-G-T.
Other names: c.733G>T, p.Asp245Tyr (NM_001257374.3); c.826G>T, p.Asp276Tyr (NM_001282624.2); c.1069G>T, p.Asp357Tyr (NM_001282625.2, NM_001282626.2, NM_005572.4 and 1 more transcripts); short protein forms D357Y, D245Y, D276Y.
Identifiers: ClinVar variation 476820 (VCV000476820.10), dbSNP rs267607567, ClinGen allele CA342820312.

ClinVar aggregate classification (germline): Uncertain significance. Review status: criteria provided, multiple submitters, no conflicts (2 of 4 stars). 2 submissions from 2 submitters: Uncertain significance (2). Last evaluated 2022-09-07.

Conditions:
Charcot-Marie-Tooth disease type 2. Also called: Charcot-Marie-Tooth type 2. Identifiers: Orphanet 64746, MedGen C0270914, MONDO:0018993.

Submissions (2):

Labcorp Genetics (formerly Invitae), Labcorp
Classification: Uncertain significance for Charcot-Marie-Tooth disease type 2. Last evaluated: 2022-09-07. Review status: criteria provided, single submitter. Criteria: Invitae Variant Classification Sherloc (09022015). Collection method: clinical testing. Allele origin: germline.
Comment: In summary, the available evidence is currently insufficient to determine the role of this variant in disease. Therefore, it has been classified as a Variant of Uncertain Significance. Algorithms developed to predict the effect of sequence changes on RNA splicing suggest that this variant may create or strengthen a splice site. Algorithms developed to predict the effect of missense changes on protein structure and function (SIFT, PolyPhen-2, Align-GVGD) all suggest that this variant is likely to be disruptive. ClinVar contains an entry for this variant (Variation ID: 476820). This variant has not been reported in the literature in individuals affected with LMNA-related conditions. This variant is not present in population databases (gnomAD no frequency). This sequence change replaces aspartic acid, which is acidic and polar, with tyrosine, which is neutral and polar, at codon 357 of the LMNA protein (p.Asp357Tyr).

Stanford Center for Inherited Cardiovascular Disease, Stanford University
Classification: Uncertain significance. Last evaluated: 2017-11-30. Review status: criteria provided, single submitter. Criteria: ACMG Guidelines, 2015. Collection method: provider interpretation. Allele origin: germline.